The following is an entry in ClinVar:

ClinVar aggregate classification (germline): Likely pathogenic (1 of 4 stars; one submission).

Submission:

ARUP Laboratories, Molecular Genetics and Genomics, ARUP Laboratories
Classification: Likely pathogenic. Last evaluated: 2021-01-11. Review status: criteria provided, single submitter. Criteria: ARUP Molecular Germline Variant Investigation Process 2021. Collection method: clinical testing. Allele origin: germline.
Comment: The VWF c.3735dupG; p.Pro1246AlafsTer47variant, to our knowledge, is not reported in the medical literature or gene specific databases. This variant is also absent from general population databases (Exome Variant Server, Genome Aggregation Database), indicating it is not a common polymorphism. This variant causes a frameshift by inserting a single nucleotide, so it is predicted to result in a truncated protein or mRNA subject to nonsense-mediated decay. Additionally, several downstream truncating variants have been described in individuals affected with type 3 von Willebrand disease and are considered pathogenic (Kasatkar 2014). Based on available information, this variant is considered to be likely pathogenic. References: Kasatkar P et al. Genetic heterogeneity in a large cohort of Indian type 3 von Willebrand disease patients. PLoS One. 2014 Mar 27;9(3):e92575.

NM_000552.5(VWF):c.3735dup (p.Pro1246fs)

Gene: VWF (von Willebrand factor; minus strand). Cytogenetic location: 12p13.31.
Variant type: Duplication.
Coding change: c.3735dup on transcript NM_000552.5 (MANE Select); coding-DNA position 3735, one base duplicated (G; older notation c.3735dupG).
Protein change: p.Pro1246fs; shifts the reading frame from proline 1246.
Molecular consequence: frameshift variant.
Genome position (GRCh38, 1-based): chr12:6,019,683, C duplicated on the plus strand (G on the coding strand, the reverse complement: VWF is on the minus strand). VCF-style (leftmost placement, unchanged base first): chr12-6019682-G-GC. GRCh37 (hg19) VCF-style: chr12-6128848-G-GC.
Other names: short protein forms P1246fs.
Identifiers: ClinVar variation 1330387 (VCV001330387.7), dbSNP rs2136413939, ClinGen allele CA2573053739.